The following is an entry in ClinVar:

NM_001267550.2(TTN):c.60902del (p.Ser20301fs)

Genes: TTN (titin; minus strand), TTN-AS1 (TTN antisense RNA 1; plus strand). Cytogenetic location: 2q31.2.
Variant type: Deletion.
Coding change: c.60902del on transcript NM_001267550.2 (MANE Select); coding-DNA position 60902, one base deleted (G; older notation c.60902delG).
Protein change: p.Ser20301fs; shifts the reading frame from serine 20301.
Molecular consequence: frameshift variant.
Genome position (GRCh38, 1-based): chr2:178,590,823, C deleted on the plus strand (G on the coding strand, the reverse complement: TTN is on the minus strand). VCF-style (leftmost placement, unchanged base first): chr2-178590822-AC-A. GRCh37 (hg19) VCF-style: chr2-179455549-AC-A.
Other names: c.55979del, p.Ser18660fs (NM_001256850.1); c.33707del, p.Ser11236fs (NM_003319.4); c.53198del, p.Ser17733fs (NM_133378.4); c.34082del, p.Ser11361fs (NM_133432.3); c.34283del, p.Ser11428fs (NM_133437.4); c.55979delG (NM_001256850.1); c.33707delG (NM_003319.4); short protein forms S11236fs, S11361fs, S17733fs, S20301fs, S11428fs, S18660fs.
Identifiers: ClinVar variation 452129 (VCV000452129.4), dbSNP rs1553643140, ClinGen allele CA658657141.

ClinVar aggregate classification (germline): Likely pathogenic. Review status: criteria provided, multiple submitters, no conflicts (2 of 4 stars). 2 submissions from 2 submitters: Likely pathogenic (2). Last evaluated 2018-04-17.

Conditions:
Cardiovascular phenotype. Identifiers: MedGen CN230736.

Submissions (2):

Ambry Genetics
Classification: Likely pathogenic for Cardiovascular phenotype. Last evaluated: 2018-04-17. Review status: criteria provided, single submitter. Criteria: Ambry Variant Classification Scheme 2023. Collection method: clinical testing. Allele origin: germline.
Comment: The c.33707delG variant, located in coding exon 131 of the TTN gene, results from a deletion of one nucleotide at nucleotide position 33707, causing a translational frameshift with a predicted alternate stop codon (p.S11236Ifs*3). This exon is located in the A-band region of the N2-B isoform of the titin protein and is constitutively expressed in TTN transcripts (percent spliced in or PSI 100%). While truncating variants in TTN are present in 1-3% of the general population, truncating variants in the A-band are the most common cause of dilated cardiomyopathy (DCM) (Herman DS et al. N. Engl. J. Med. 2012 Feb;366:619-28; Roberts AM et al. Sci Transl Med. 2015 Jan;7:270ra6). TTN truncating variants encoded in constitutive exons (PSI >90%) have been found to be significantly associated with DCM regardless of their position in titin (Schafer S et al. Nat. Genet. 2017 Jan;49:46-53). This alteration is expected to result in loss of function by premature protein truncation or nonsense-mediated mRNA decay. As such, this alteration is classified as likely pathogenic.

GeneDx
Classification: Likely pathogenic. Last evaluated: 2017-09-15. Review status: criteria provided, single submitter. Criteria: GeneDx Variant Classification (06012015). Collection method: clinical testing. Allele origin: germline. Affected: yes.
Comment: The c.55979delG variant in the TTN gene has not been reported previously as a pathogenic variant nor as a benign variant, to our knowledge. The c.55979delG variant causes a frameshift starting with codon Serine 18660, changes this amino acid to a Isoleucine residue, and creates a premature Stop codon at position 3 of the new reading frame, denoted p.Ser18660IlefsX3. This variant is predicted to cause loss of normal protein function either through protein truncation or nonsense-mediated mRNA decay. The c.55979delG variant is not observed in large population cohorts (Lek et al., 2016; 1000 Genomes Consortium et al., 2015; Exome Variant Server). We interpret c.55979delG as a likely pathogenic variant.